The following is an entry in ClinVar:

ClinVar aggregate classification (germline): Uncertain significance (1 of 4 stars; one submission).

Allele frequency attached by ClinVar (database versions not stated): gnomAD exomes 0.00003.
gnomAD v4.1: 36 of 1,531,090 alleles (0.0024%); highest among the groups gnomAD compares: Non-Finnish European, 0.0031%; no homozygotes.

Submission:

GeneDx
Classification: Uncertain significance. Last evaluated: 2023-05-11. Review status: criteria provided, single submitter. Criteria: GeneDx Variant Classification Process June 2021. Collection method: clinical testing. Allele origin: germline. Affected: yes.
Comment: Not observed at significant frequency in large population cohorts (gnomAD); In silico analysis supports that this missense variant has a deleterious effect on protein structure/function; Has not been previously published as pathogenic or benign to our knowledge

NM_005908.4(MANBA):c.691T>A (p.Trp231Arg)

Gene: MANBA (mannosidase beta; minus strand). Cytogenetic location: 4q24.
Variant type: single nucleotide variant.
Coding change: c.691T>A on transcript NM_005908.4 (MANE Select); coding-DNA position 691, T replaced by A.
Protein change: p.Trp231Arg; replaces tryptophan 231 with arginine.
Molecular consequence: missense variant.
Genome position (GRCh38, 1-based): chr4:102,690,754, A>T on the plus strand (T>A on the coding strand, the complement: MANBA is on the minus strand). VCF-style: chr4-102690754-A-T. GRCh37 (hg19) VCF-style: chr4-103611911-A-T.
Other names: short protein forms W231R.
Identifiers: ClinVar variation 2662348 (VCV002662348.1), dbSNP rs898488928, ClinGen allele CA357770138.